The following is an entry in ClinVar:

NM_000104.4(CYP1B1):c.836A>T (p.His279Leu)

Gene: CYP1B1 (cytochrome P450 family 1 subfamily B member 1; minus strand). Cytogenetic location: 2p22.2.
Variant type: single nucleotide variant.
Coding change: c.836A>T on transcript NM_000104.4 (MANE Select); coding-DNA position 836, A replaced by T.
Protein change: p.His279Leu; replaces histidine 279 with leucine.
Molecular consequence: missense variant.
Genome position (GRCh38, 1-based): chr2:38,074,553, T>A on the plus strand (A>T on the coding strand, the complement: CYP1B1 is on the minus strand). VCF-style: chr2-38074553-T-A. GRCh37 (hg19) VCF-style: chr2-38301696-T-A.
Other names: NM_000104.4:c.836A>T; short protein forms H279L.
Identifiers: ClinVar variation 5018476 (VCV005018476.1).

ClinVar aggregate classification (germline): Uncertain significance (3 of 4 stars; one submission).

Conditions:
CYP1B1-related glaucoma with or without anterior segment dysgenesis. Identifiers: MedGen CN375931, MONDO:0800472.

Submission:

ClinGen Glaucoma Variant Curation Expert Panel
Classification: Uncertain significance for CYP1B1-related glaucoma with or without anterior segment dysgenesis. Last evaluated: 2026-10-12. Review status: reviewed by expert panel. Criteria: ClinGen Glaucoma ACMG Specifications CYP1B1 V2.0. Collection method: curation. Allele origin: germline. Inheritance: Autosomal recessive inheritance.
Comment: The c.836A>T variant in CYP1B1 is a missense variant predicted to cause substitution of Histidine by Leucine at amino acid 279 (p.His279Leu). This missense variant is located in the G-helix, meeting PM1_Supporting. This variant was not found in any genetic ancestry group of gnomAD (v4.1), meeting the ≤ 0.0005 threshold set for PM2_Supporting in a genetic ancestry group of at least 2,000 alleles. The REVEL score = 0.791, which was within the 0.773-0.931 range for PP3_Moderate, predicting a damaging effect on CYP1B1 function. There was no functional evidence predicting a damaging or benign impact of this variant on CYP1B1 function. This variant has been identified in an individual with a CYP1B1-related phenotype. This individual is homozygous for the variant (PMID:26550974), with total proband points = 0.5, meeting PM3_Supporting. In summary, this variant met the criteria to receive a score of 5 and to be classified as a variant of uncertain significance (uncertain significance classification range -1 to 5, adapted from PMID: 32720330) for CYP1B1-related glaucoma with or without anterior segment dysgenesis (ASD) based on the ACMG/AMP criteria met, as specified by the ClinGen Glaucoma VCEP (v2.0, 16.07.2026): PP3_Moderate, PM1_Supporting, PM2_Supporting, PM3_Supporting